The following is an entry in ClinVar:

NM_005228.5(EGFR):c.2280C>T (p.Leu760=)

Gene: EGFR (epidermal growth factor receptor; plus strand). Cytogenetic location: 7p11.2.
Variant type: single nucleotide variant.
Coding change: c.2280C>T on transcript NM_005228.5 (MANE Select); coding-DNA position 2280, C replaced by T.
Protein change: p.Leu760=; no amino-acid change (leucine 760 retained).
Molecular consequence: synonymous variant.
Genome position (GRCh38, 1-based): chr7:55,174,817, C>T. VCF-style: chr7-55174817-C-T. GRCh37 (hg19) VCF-style: chr7-55242510-C-T.
Other names: c.2145C>T, p.Leu715= (NM_001346897.2, NM_001346899.2); c.2280C>T, p.Leu760= (NM_001346898.2); c.2121C>T, p.Leu707= (NM_001346900.2); c.1479C>T, p.Leu493= (NM_001346941.2).
Identifiers: ClinVar variation 45243 (VCV000045243.14), dbSNP rs397517103, ClinGen allele CA135824.

ClinVar aggregate classification (germline): Benign/Likely benign. Review status: criteria provided, multiple submitters, no conflicts (2 of 4 stars). 4 submissions from 4 submitters: Benign (1); Likely benign (2). 1 of the submissions does not count toward it. Last evaluated 2025-06-18.

Conditions:
Hereditary cancer-predisposing syndrome. Also called: Hereditary Cancer Syndrome; Hereditary neoplastic syndrome; Neoplastic Syndromes, Hereditary; Tumor predisposition. Identifiers: Orphanet 140162, MedGen C0027672, MeSH D009386, MONDO:0015356.
Lung cancer. Also called: Malignant tumor of lung; Lung cancer, somatic. Identifiers: MedGen C0242379, MONDO:0008903, OMIM 211980.
EGFR-related lung cancer (EGFR). Identifiers: MedGen CN130014.

Allele frequency attached by ClinVar (database versions not stated): ExAC 0.00001; gnomAD exomes 0.00001; TOPMed 0.00001; gnomAD 0.00002.
gnomAD v4.1: 13 of 1,613,256 alleles (0.00081%); highest among the groups gnomAD compares: African/African-American, 0.0013%; no homozygotes.

Submissions (4):

Labcorp Genetics (formerly Invitae), Labcorp
Classification: Likely benign for EGFR-related lung cancer. Last evaluated: 2025-06-18. Review status: criteria provided, single submitter. Criteria: Invitae Variant Classification Sherloc (09022015). Collection method: clinical testing. Allele origin: germline.

Ambry Genetics
Classification: Likely benign for Hereditary cancer-predisposing syndrome. Last evaluated: 2025-01-10. Review status: criteria provided, single submitter. Criteria: Ambry Variant Classification Scheme 2023. Collection method: clinical testing. Allele origin: germline.

Myriad Genetics, Inc.
Classification: Benign for Lung cancer. Last evaluated: 2024-10-16. Review status: criteria provided, single submitter. Criteria: Myriad Autosomal Dominant, Autosomal Recessive and X-Linked Classification Criteria (2023). Collection method: clinical testing. Allele origin: unknown.
Comment: This variant is considered benign. This variant is a silent/synonymous amino acid change and it is not expected to impact splicing.

Laboratory for Molecular Medicine, Mass General Brigham Personalized Medicine
Classification: Likely benign. Last evaluated: 2006-10-28. Review status: no assertion criteria provided. Collection method: clinical testing. Allele origin: somatic. Observed: 2 variant alleles. Not counted in ClinVar's aggregate classification.